The following is an entry in ClinVar:

ClinVar aggregate classification (germline): Conflicting classifications of pathogenicity. Review status: criteria provided, conflicting classifications (1 of 4 stars). 6 submissions from 6 submitters: Uncertain significance (1); Likely benign (5). Last evaluated 2025-02-28.

Conditions:
KBG syndrome (KBGS). Also called: ANKRD11-Related KBG Syndrome. Identifiers: Orphanet 2332, MedGen C0220687, MONDO:0007846, OMIM 148050.
ANKRD11-related disorder. Also called: ANKRD11-related condition.
Inborn genetic diseases. Identifiers: MedGen C0950123, MeSH D030342.

Allele frequency attached by ClinVar (database versions not stated): 1000 Genomes Project 30x 0.00016; 1000 Genomes Project 0.00020; ESP Exome Variant Server 0.00023; TOPMed 0.00023; gnomAD 0.00025 and 0.00026.
gnomAD v4.1: 464 of 1,613,974 alleles (0.029%); highest among the groups gnomAD compares: Non-Finnish European, 0.036%; no homozygotes.

Submissions (9):

PreventionGenetics, part of Exact Sciences
Classification: Likely benign for ANKRD11-related condition. Last evaluated: 2025-02-28. Review status: criteria provided, single submitter. Criteria: ACMG Guidelines, 2015. Collection method: clinical testing. Allele origin: germline.
Comment: This variant is classified as likely benign based on ACMG/AMP sequence variant interpretation guidelines (Richards et al. 2015 PMID: 25741868, with internal and published modifications).

Laboratory of Genetics, Children's Clinical University Hospital Latvia
Classification: Likely benign. Last evaluated: 2025-02-16. Review status: criteria provided, single submitter. Criteria: ACMG Guidelines, 2015. Collection method: clinical testing. Allele origin: germline. Affected: yes.

Labcorp Genetics (formerly Invitae), Labcorp
Classification: Uncertain significance for KBG syndrome. Last evaluated: 2024-12-16. Review status: criteria provided, single submitter. Criteria: Invitae Variant Classification Sherloc (09022015). Collection method: clinical testing. Allele origin: germline.
Comment: This sequence change falls in intron 11 of the ANKRD11 gene. It does not directly change the encoded amino acid sequence of the ANKRD11 protein. It affects a nucleotide within the consensus splice site. This variant is present in population databases (rs199741062, gnomAD 0.05%), and has an allele count higher than expected for a pathogenic variant. This variant has not been reported in the literature in individuals affected with ANKRD11-related conditions. ClinVar contains an entry for this variant (Variation ID: 1223522). Variants that disrupt the consensus splice site are a relatively common cause of aberrant splicing (PMID: 17576681, 9536098). Algorithms developed to predict the effect of sequence changes on RNA splicing suggest that this variant is not likely to affect RNA splicing. In summary, the available evidence is currently insufficient to determine the role of this variant in disease. Therefore, it has been classified as a Variant of Uncertain Significance.

Blueprint Genetics
Classification: Likely benign. Last evaluated: 2024-11-25. Review status: criteria provided, single submitter. Criteria: ACMG Guidelines, 2015. Collection method: clinical testing. Allele origin: germline.

GeneDx
Classification: Likely benign. Last evaluated: 2020-12-17. Review status: criteria provided, single submitter. Criteria: GeneDx Variant Classification Process June 2021. Collection method: clinical testing. Allele origin: germline. Affected: yes.

Ambry Genetics
Classification: Likely benign for Inborn genetic diseases. Last evaluated: 2019-03-09. Review status: criteria provided, single submitter. Criteria: Ambry Variant Classification Scheme 2023. Collection method: clinical testing. Allele origin: germline.

Dr. Peter K. Rogan Lab, Western University
No classification provided (evidence only). Condition: Melanoma. Review status: no classification provided. Collection method: in vitro. Allele origin: not applicable. Functional consequence: skipped exon. Not counted in ClinVar's aggregate classification.

Dr. Peter K. Rogan Lab, Western University
No classification provided (evidence only). Condition: Acute myeloid leukemia. Review status: no classification provided. Collection method: in vitro. Allele origin: not applicable. Functional consequence: retained intron. Not counted in ClinVar's aggregate classification.

Dr. Peter K. Rogan Lab, Western University
No classification provided (evidence only). Condition: Nonpapillary renal cell carcinoma. Review status: no classification provided. Collection method: in vitro. Allele origin: not applicable. Functional consequence: skipped exon. Not counted in ClinVar's aggregate classification.

Literature cited by the submitters: PubMed 17576681 (cited by Labcorp Genetics (formerly Invitae), Labcorp); PubMed 9536098 (cited by Labcorp Genetics (formerly Invitae), Labcorp).

NM_013275.6(ANKRD11):c.7714-3C>A

Gene: ANKRD11 (ankyrin repeat domain 11; minus strand). Cytogenetic location: 16q24.3.
Variant type: single nucleotide variant.
Coding change: c.7714-3C>A on transcript NM_013275.6 (MANE Select); 3 bases into the intron before coding-DNA position 7714, C replaced by A.
Molecular consequence: intron variant.
Genome position (GRCh38, 1-based): chr16:89,270,912, G>T on the plus strand (C>A on the coding strand, the complement: ANKRD11 is on the minus strand). VCF-style: chr16-89270912-G-T. GRCh37 (hg19) VCF-style: chr16-89337320-G-T.
Other names: c.7714-3C>A (NM_001256183.2, NM_001256182.2, NM_013275.5).
Identifiers: ClinVar variation 1223522 (VCV001223522.15), dbSNP rs199741062, ClinGen allele CA8241027.
Genomic context (GRCh38, chr16:89,270,912, plus strand): 5'-GCCAGGAGATGAACTGGCGGGCGTTGAAACGGTCGCGCACTGACTTGTTCTCGTCACCCT[G>T]TGGAAACCAAACACGGGAGTTTCATCAGGAGCCCCAGAGACCGCTACGGGAAGGCATGCC-3'